The following is an entry in ClinVar:

ClinVar aggregate classification (germline): Uncertain significance. Review status: criteria provided, multiple submitters, no conflicts (2 of 4 stars). 3 submissions from 3 submitters: Uncertain significance (2). 1 of the submissions does not count toward it. Last evaluated 2024-06-25.

Conditions:
Cardiac arrhythmia. Also called: Arrhythmia; Cardiac rhythm disease. Identifiers: MedGen C0003811, MONDO:0007263, HP:0011675.
Familial long QT syndrome (RWS). Also called: Congenital long QT syndrome; Romano-Ward syndrome; VENTRICULAR FIBRILLATION WITH PROLONGED QT INTERVAL. Identifiers: Orphanet 768, MedGen C1141890, MONDO:0019171.
Long QT syndrome (LQTS). Identifiers: MedGen C0023976, MeSH D008133, MONDO:0002442. Disease mechanism: loss of function. Inheritance: Various modes of inheritance.

Submissions (3):

Labcorp Genetics (formerly Invitae), Labcorp
Classification: Uncertain significance for Long QT syndrome. Last evaluated: 2024-06-25. Review status: criteria provided, single submitter. Criteria: Invitae Variant Classification Sherloc (09022015). Collection method: clinical testing. Allele origin: germline.
Comment: This sequence change replaces glutamine, which is neutral and polar, with arginine, which is basic and polar, at codon 357 of the KCNQ1 protein (p.Gln357Arg). This variant is not present in population databases (gnomAD no frequency). This missense change has been observed in individual(s) with clinical features of Long QT syndrome (PMID: 12702160; Invitae). ClinVar contains an entry for this variant (Variation ID: 52948). Advanced modeling of protein sequence and biophysical properties (such as structural, functional, and spatial information, amino acid conservation, physicochemical variation, residue mobility, and thermodynamic stability) performed at Invitae indicates that this missense variant is expected to disrupt KCNQ1 protein function with a positive predictive value of 95%. Experimental studies have shown that this missense change affects KCNQ1 function (PMID: 16564513, 24190995). This variant disrupts the p.Gln357 amino acid residue in KCNQ1. Other variant(s) that disrupt this residue have been observed in individuals with KCNQ1-related conditions (PMID: 27920829), which suggests that this may be a clinically significant amino acid residue. In summary, the available evidence is currently insufficient to determine the role of this variant in disease. Therefore, it has been classified as a Variant of Uncertain Significance.

Color Diagnostics, LLC DBA Color Health
Classification: Uncertain significance for Cardiac arrhythmia. Last evaluated: 2020-04-08. Review status: criteria provided, single submitter. Criteria: ACMG Guidelines, 2015. Collection method: clinical testing. Allele origin: germline.
Comment: This missense variant replaces glutamine with arginine at codon 357 of the KCNQ1 protein. Computational prediction suggests that this variant may have deleterious impact on protein structure and function (internally defined REVEL score threshold >= 0.7, PMID: 27666373). Functional studies have reported that this variant caused a current displaying slower activation and reduced current amplitude (PMID:16564513, 21952006). This variant has been reported in 1 individual affected with long QT syndrome (PMID: 12702160). This variant has not been identified in the general population by the Genome Aggregation Database (gnomAD). The available evidence is insufficient to determine the role of this variant in disease conclusively. Therefore, this variant is classified as a Variant of Uncertain Significance.

Cardiovascular Biomedical Research Unit, Royal Brompton & Harefield NHS Foundation Trust
No classification provided. Condition: Familial long QT syndrome. Review status: no classification provided. Collection method: literature only. Allele origin: germline. Not counted in ClinVar's aggregate classification.
Comment: This variant has been reported as associated with Long QT syndrome in the following publications (PMID:12702160;PMID:16564513;PMID:21952006). This is a literature report, and does not necessarily reflect the clinical interpretation of the Imperial College / Royal Brompton Cardiovascular Genetics laboratory.

Literature cited by the submitters: PubMed 12702160 (cited by Labcorp Genetics (formerly Invitae), Labcorp and Cardiovascular Biomedical Research Unit, Royal Brompton & Harefield NHS Foundation Trust); PubMed 16564513 (cited by Labcorp Genetics (formerly Invitae), Labcorp and Cardiovascular Biomedical Research Unit, Royal Brompton & Harefield NHS Foundation Trust); PubMed 24190995 (cited by Labcorp Genetics (formerly Invitae), Labcorp); PubMed 27920829 (cited by Labcorp Genetics (formerly Invitae), Labcorp); PubMed 21952006 (cited by Cardiovascular Biomedical Research Unit, Royal Brompton & Harefield NHS Foundation Trust); PubMed 22581653 (cited by Cardiovascular Biomedical Research Unit, Royal Brompton & Harefield NHS Foundation Trust).

NM_000218.3(KCNQ1):c.1070A>G (p.Gln357Arg)

Gene: KCNQ1 (potassium voltage-gated channel subfamily Q member 1; plus strand). Cytogenetic location: 11p15.5.
Variant type: single nucleotide variant.
Coding change: c.1070A>G on transcript NM_000218.3 (MANE Select); coding-DNA position 1070, A replaced by G.
Protein change: p.Gln357Arg; replaces glutamine 357 with arginine.
Molecular consequence: missense variant.
Genome position (GRCh38, 1-based): chr11:2,585,249, A>G. VCF-style: chr11-2585249-A-G. GRCh37 (hg19) VCF-style: chr11-2606479-A-G.
Other names: c.1070A>G (LRG_287t1); c.800A>G, p.Gln267Arg (NM_001406837.1); c.689A>G, p.Gln230Arg (NM_181798.2); short protein forms Q357R, Q230R, Q267R.
Identifiers: ClinVar variation 52948 (VCV000052948.13), dbSNP rs199473405, ClinGen allele CA005148.
Genomic context (GRCh38, chr11:2,585,249, plus strand): 5'-GCCTCCTGTCCATTCCTTCCCAGGGGATTCTTGGCTCGGGGTTTGCCCTGAAGGTGCAGC[A>G]GAAGCAGAGGCAGAAGCACTTCAACCGGCAGATCCCGGCGGCAGCCTCACTCATTCAGGT-3'
Protein context (NP_000209.2, residues 347-367): LGSGFALKVQ[Gln357Arg]KQRQKHFNRQ